The following is an entry in ClinVar:

NM_006019.4(TCIRG1):c.991_992del (p.Ala331fs)

Gene: TCIRG1 (T cell immune regulator 1, ATPase H+ transporting V0 subunit a3; plus strand). Cytogenetic location: 11q13.2.
Variant type: Deletion.
Coding change: c.991_992del on transcript NM_006019.4 (MANE Select); coding-DNA positions 991 to 992, 2 bases deleted (GC; older notation c.991_992delGC).
Protein change: p.Ala331fs; shifts the reading frame from alanine 331.
Molecular consequence: frameshift variant. On other transcripts: intron variant (4).
Genome position (GRCh38, 1-based): chr11:68,044,315-68,044,316, GC deleted; deleting any 2 consecutive bases within chr11:68,044,314-68,044,316 gives the same sequence; the c. name uses the placement nearest the transcript's 3' end. VCF-style (leftmost placement, unchanged base first): chr11-68044313-CCG-C. GRCh37 (hg19) VCF-style: chr11-67811780-CCG-C.
Other names: c.97_98del, p.Ala33fs (NM_001351059.2); c.991_992del, p.Ala331fs (NM_001440552.1, NM_001440553.1, NM_001440554.1 and 2 more transcripts); c.949_950del, p.Ala317fs (NM_001440555.1, NM_001440556.1, NM_001440563.1); c.778_779del, p.Ala260fs (NM_001440561.1, NM_001440562.1, NM_001440566.1 and 1 more transcripts); c.736_737del, p.Ala246fs (NM_001440564.1); c.691_692del, p.Ala231fs (NM_001440565.1); c.343_344del, p.Ala115fs (NM_006053.4); c.807+408_807+409del (NM_001440559.1, NM_001440560.1); and 2 more; short protein forms A115fs, A231fs, A246fs, A260fs, A317fs, A331fs, A33fs.
Identifiers: ClinVar variation 4815490 (VCV004815490.1).

ClinVar aggregate classification (germline): Likely pathogenic (1 of 4 stars; one submission).

Conditions:
Autosomal recessive osteopetrosis 1. Also called: ALBERS-SCHONBERG DISEASE, AUTOSOMAL RECESSIVE; TCIRG1-Related Autosomal Recessive Osteopetrosis; TCIRG1-Related Osteopetrosis. Identifiers: Orphanet 667, MedGen C1850127, MONDO:0009815, OMIM 259700.

Submission:

Natera, Inc.
Classification: Likely pathogenic for Infantile malignant osteopetrosis. Last evaluated: 2025-10-09. Review status: criteria provided, single submitter. Criteria: Natera Variant Classification Schema (03/2026). Collection method: clinical testing. Allele origin: germline.
Comment: The c.991_992del variant in TCIRG1 is a frameshift variant predicted to shift the reading frame beginning at codon 331 and leads to a stop codon 158 codons downstream. This variant is expected to result in nonsense mediated decay, truncation, or a dysfunctional protein product. This variant is rare in the general population with a frequency below the threshold expected for the associated phenotype(s). Given the available evidence, this variant is classified as Likely Pathogenic.